The following is an entry in ClinVar:

ClinVar aggregate classification (germline): Conflicting classifications of pathogenicity. Review status: criteria provided, conflicting classifications (1 of 4 stars). 9 submissions from 8 submitters: Uncertain significance (1); Benign (1); Likely benign (7). Last evaluated 2026-01-28.

Conditions:
Hereditary cancer-predisposing syndrome. Also called: Tumor predisposition; Neoplastic Syndromes, Hereditary; Hereditary Cancer Syndrome; Hereditary neoplastic syndrome. Identifiers: Orphanet 140162, MedGen C0027672, MeSH D009386, MONDO:0015356.
Cardiovascular phenotype. Identifiers: MedGen CN230736.
NF1-related disorder. Also called: NF1-related condition. Identifiers: MedGen CN379171.
Neurofibromatosis, type 1 (NF1). Also called: Peripheral type neurofibromatosis; Neurofibromatosis, type I; NEUROFIBROMATOSIS, TYPE I, SOMATIC; VON RECKLINGHAUSEN DISEASE. Identifiers: Orphanet 636, MedGen C0027831, MONDO:0018975, OMIM 162200. Disease mechanism: loss of function.

Allele frequency attached by ClinVar (database versions not stated): ExAC 0.00003; gnomAD 0.00004 and 0.00005; gnomAD exomes 0.00006; TOPMed 0.00009.
gnomAD v4.1: 31 of 1,613,732 alleles (0.0019%); highest among the groups gnomAD compares: Admixed American, 0.038%; no homozygotes.

Submissions (9):

Labcorp Genetics (formerly Invitae), Labcorp
Classification: Benign for Neurofibromatosis, type 1. Last evaluated: 2026-01-28. Review status: criteria provided, single submitter. Criteria: Invitae Variant Classification Sherloc (09022015). Collection method: clinical testing. Allele origin: germline.

PreventionGenetics, part of Exact Sciences
Classification: Likely benign for NF1-related condition. Last evaluated: 2025-03-29. Review status: criteria provided, single submitter. Criteria: ACMG Guidelines, 2015. Collection method: clinical testing. Allele origin: germline.
Comment: This variant is classified as likely benign based on ACMG/AMP sequence variant interpretation guidelines (Richards et al. 2015 PMID: 25741868, with internal and published modifications).

CeGaT Center for Human Genetics Tuebingen
Classification: Likely benign. Last evaluated: 2023-05-01. Review status: criteria provided, single submitter. Criteria: CeGaT Center For Human Genetics Tuebingen Variant Classification Criteria Version 2. Collection method: clinical testing. Allele origin: germline. Affected: yes. Observed: 1 variant allele.
Comment: NF1: BP4

Blueprint Genetics
Classification: Likely benign. Last evaluated: 2022-01-27. Review status: criteria provided, single submitter. Criteria: ACMG Guidelines, 2015. Collection method: clinical testing. Allele origin: germline.

Sema4
Classification: Uncertain significance for Hereditary cancer-predisposing syndrome. Last evaluated: 2021-04-08. Review status: criteria provided, single submitter. Criteria: Sema4 Curation Guidelines. Collection method: curation. Allele origin: germline.
Comment: The NF1 c.2188A>T (p.N730Y) variant has not been reported in the literature to our knowledge. This variant was observed in 14/251034 chromosomes, with no homozygotes, from large and broad populations by the Genome Aggregation Database (PMID: 32461654), predominantly in individuals of Latino heritage (13/34586, AF=0.038%). The population frequency of this variant is higher than expected for a pathogenic variant based on disease/syndrome prevalence and penetrance, however in silico tools suggest the impact of the variant on protein function is inconclusive. The variant has been reported in ClinVar (Variation ID: 186662). The overall evidence is insufficient to meet ACMG/AMP criteria for classifying it as benign or pathogenic. In summary, the clinical significance of this variant is currently uncertain.

GeneDx
Classification: Likely benign. Last evaluated: 2020-05-05. Review status: criteria provided, single submitter. Criteria: GeneDx Variant Classification Process June 2021. Collection method: clinical testing. Allele origin: germline. Affected: yes.

Ambry Genetics
Classification: Likely benign for Hereditary cancer-predisposing syndrome. Last evaluated: 2019-12-11. Review status: criteria provided, single submitter. Criteria: Ambry Autosomal Dominant and X-Linked criteria (3/2017). Collection method: clinical testing. Allele origin: germline. Observed: 1 variant allele.
Comment: in silico models in agreement (benign);Insufficient or Conflicting Evidence;Other strong data supporting benign classification

Ambry Genetics
Classification: Likely benign for Cardiovascular phenotype; Hereditary cancer-predisposing syndrome. Last evaluated: 2018-06-06. Review status: criteria provided, single submitter. Criteria: Ambry Variant Classification Scheme 2023. Collection method: clinical testing. Allele origin: germline.

Clinical Molecular Genetics Laboratory, Johns Hopkins All Children's Hospital
Classification: Likely benign for Neurofibromatosis, type 1. Last evaluated: 2017-11-17. Review status: criteria provided, single submitter. Criteria: ACMG Guidelines, 2015. Collection method: clinical testing. Allele origin: germline. Affected: yes.

NM_001042492.3(NF1):c.2188A>T (p.Asn730Tyr)

Gene: NF1 (neurofibromin 1; plus strand). Cytogenetic location: 17q11.2.
Variant type: single nucleotide variant.
Coding change: c.2188A>T on transcript NM_001042492.3 (MANE Select); coding-DNA position 2188, A replaced by T.
Protein change: p.Asn730Tyr; replaces asparagine 730 with tyrosine.
Molecular consequence: missense variant.
Genome position (GRCh38, 1-based): chr17:31,226,621, A>T. VCF-style: chr17-31226621-A-T. GRCh37 (hg19) VCF-style: chr17-29553639-A-T.
Other names: c.2188A>T, p.Asn730Tyr (NM_000267.4); short protein forms N730Y.
Identifiers: ClinVar variation 186662 (VCV000186662.47), dbSNP rs758893131, ClinGen allele CA195489.